The following is an entry in ClinVar:

NM_000593.6(TAP1):c.366_372del (p.Gly123fs)

Gene: TAP1 (transporter 1, ATP binding cassette subfamily B member; minus strand). Cytogenetic location: 6p21.32.
Variant type: Deletion.
Coding change: c.366_372del on transcript NM_000593.6 (MANE Select); coding-DNA positions 366 to 372, 7 bases deleted (CGGGTCC; older notation c.366_372delCGGGTCC).
Protein change: p.Gly123fs; shifts the reading frame from glycine 123.
Molecular consequence: frameshift variant.
Genome position (GRCh38, 1-based): chr6:32,853,265-32,853,271, GGACCCG deleted on the plus strand (CGGGTCC on the coding strand, the reverse complement: TAP1 is on the minus strand); deleting any 7 consecutive bases within chr6:32,853,265-32,853,273 gives the same sequence; the c. name uses the placement nearest the transcript's 3' end. VCF-style (leftmost placement, unchanged base first): chr6-32853264-CGGACCCG-C. GRCh37 (hg19) VCF-style: chr6-32821041-CGGACCCG-C.
Other names: short protein forms G123fs.
Identifiers: ClinVar variation 4706862 (VCV004706862.1).
Genomic context (GRCh38, chr6:32,853,264, plus strand): 5'-CATAACTGACAACGAAGGCGGTAGGGTGACTTCCCCAGTGCAGTAGCCTGGTGCTATCCG[CGGACCCG>C]GGGGCTCCCCATGAGATCAGCTCTCGGAACAAGGCAAGTCCCGGCAGGGCCAAGCCCAGT-3'

ClinVar aggregate classification (germline): Pathogenic (1 of 4 stars; one submission).

Conditions:
MHC class I deficiency. Identifiers: Orphanet 34592, MedGen C6024714, MONDO:0011476.

Submission:

Labcorp Genetics (formerly Invitae), Labcorp
Classification: Pathogenic for MHC class I deficiency 1. Last evaluated: 2025-12-17. Review status: criteria provided, single submitter. Criteria: Invitae Variant Classification Sherloc (09022015). Collection method: clinical testing. Allele origin: germline.
Comment: This sequence change creates a premature translational stop signal (p.Gly183Argfs*53) in the TAP1 gene. It is expected to result in an absent or disrupted protein product. Loss-of-function variants in TAP1 are known to be pathogenic (PMID: 10074494, 10074495). This variant is present in population databases (no rsID available, gnomAD 0.007%). This variant has not been reported in the literature in individuals affected with TAP1-related conditions. For these reasons, this variant has been classified as Pathogenic.

Literature cited by the submitters: PubMed 10074494; PubMed 10074495.